The following is an entry in ClinVar:

NM_000092.5(COL4A4):c.991G>A (p.Val331Ile)

Gene: COL4A4 (collagen type IV alpha 4 chain; minus strand). Cytogenetic location: 2q36.3.
Variant type: single nucleotide variant.
Coding change: c.991G>A on transcript NM_000092.5 (MANE Select); coding-DNA position 991, G replaced by A.
Protein change: p.Val331Ile; replaces valine 331 with isoleucine.
Molecular consequence: missense variant.
Genome position (GRCh38, 1-based): chr2:227,101,542, C>T on the plus strand (G>A on the coding strand, the complement: COL4A4 is on the minus strand). VCF-style: chr2-227101542-C-T. GRCh37 (hg19) VCF-style: chr2-227966258-C-T.
Other names: short protein forms V331I.
Identifiers: ClinVar variation 4887443 (VCV004887443.1).

ClinVar aggregate classification (germline): Uncertain significance (1 of 4 stars; one submission).

gnomAD v4.1: 6 of 1,612,312 alleles (0.00037%); highest among the groups gnomAD compares: East Asian, 0.0045%; no homozygotes.

Submission:

Women's Health and Genetics/Laboratory Corporation of America, LabCorp
Classification: Uncertain significance. Last evaluated: 2026-06-08. Review status: criteria provided, single submitter. Criteria: LabCorp Variant Classification Summary - May 2015. Collection method: clinical testing. Allele origin: germline.
Comment: Variant summary: COL4A4 c.991G>A (p.Val331Ile) results in a conservative amino acid change in the encoded protein sequence. Algorithms developed to predict the effect of missense changes on protein structure and function all suggest that this variant is likely to be tolerated. The variant allele was found at a frequency of 8.1e-06 in 247176 control chromosomes. The available data on variant occurrences in the general population are insufficient to allow any conclusion about variant significance. To our knowledge, no occurrence of c.991G>A in individuals affected with COL4A4-related conditions and no experimental evidence demonstrating its impact on protein function have been reported. No submitters have cited clinical-significance assessments for this variant to ClinVar. Based on the evidence outlined above, the variant was classified as uncertain significance.